The following is an entry in ClinVar:

ClinVar aggregate classification (germline): Conflicting classifications of pathogenicity. Review status: criteria provided, conflicting classifications (1 of 4 stars). 2 submissions from 2 submitters: Uncertain significance (1); Likely benign (1). Last evaluated 2025-11-10.

Conditions:
Cardiomyopathy (CMYO). Also called: Cardiomyopathies. Identifiers: Orphanet 167848, MedGen C0878544, MONDO:0004994, HP:0001638. Inheritance: Various modes of inheritance.
Arrhythmogenic right ventricular dysplasia 9 (ARVD9). Also called: Arrhythmogenic Right Ventricular Dysplasia/Cardiomyopathy 9; ARRHYTHMOGENIC RIGHT VENTRICULAR DYSPLASIA, FAMILIAL, 9. Identifiers: MedGen C1836906, MONDO:0012180, OMIM 609040.

Allele frequency attached by ClinVar (database versions not stated): gnomAD exomes below 0.00001.

Submissions (2):

Color Diagnostics, LLC DBA Color Health
Classification: Likely benign for Cardiomyopathy. Last evaluated: 2025-11-10. Review status: criteria provided, single submitter. Criteria: ACMG Guidelines, 2015. Collection method: clinical testing. Allele origin: germline.

Labcorp Genetics (formerly Invitae), Labcorp
Classification: Uncertain significance for Arrhythmogenic right ventricular dysplasia 9. Last evaluated: 2023-08-11. Review status: criteria provided, single submitter. Criteria: Invitae Variant Classification Sherloc (09022015). Collection method: clinical testing. Allele origin: germline.
Comment: This sequence change replaces threonine, which is neutral and polar, with isoleucine, which is neutral and non-polar, at codon 483 of the PKP2 protein (p.Thr483Ile). In summary, the available evidence is currently insufficient to determine the role of this variant in disease. Therefore, it has been classified as a Variant of Uncertain Significance. An algorithm developed to predict the effect of missense changes on protein structure and function (PolyPhen-2) suggests that this variant is likely to be tolerated. ClinVar contains an entry for this variant (Variation ID: 918535). This variant has not been reported in the literature in individuals affected with PKP2-related conditions. This variant is present in population databases (no rsID available, gnomAD 0.007%).

NM_001005242.3(PKP2):c.1379-2039C>T

Gene: PKP2 (plakophilin 2; minus strand). Cytogenetic location: 12p11.21.
Variant type: single nucleotide variant.
Coding change: c.1379-2039C>T on transcript NM_001005242.3 (MANE Select); 2039 bases into the intron before coding-DNA position 1379, C replaced by T.
Molecular consequence: intron variant. On other transcripts: missense variant (1).
Genome position (GRCh38, 1-based): chr12:32,843,244, G>A on the plus strand (C>T on the coding strand, the complement: PKP2 is on the minus strand). VCF-style: chr12-32843244-G-A. GRCh37 (hg19) VCF-style: chr12-32996178-G-A.
Other names: c.1448C>T, p.Thr483Ile (NM_004572.4); short protein forms T483I.
Identifiers: ClinVar variation 918535 (VCV000918535.9), dbSNP rs1257306156, ClinGen allele CA384368663.